The following is an entry in ClinVar:

ClinVar aggregate classification (germline): Uncertain significance (1 of 4 stars; one submission).

Allele frequency attached by ClinVar (database versions not stated): gnomAD exomes 0.00022; ExAC 0.00087; gnomAD 0.00236; TOPMed 0.00254; ESP Exome Variant Server 0.00277; 1000 Genomes Project 0.00379; 1000 Genomes Project 30x 0.00406.
gnomAD v4.1: 684 of 1,596,468 alleles (0.043%); highest among the groups gnomAD compares: African/African-American, 0.78%; 3 homozygotes.

Submission:

GeneDx
Classification: Uncertain significance. Last evaluated: 2022-12-20. Review status: criteria provided, single submitter. Criteria: GeneDx Variant Classification Process June 2021. Collection method: clinical testing. Allele origin: germline. Affected: yes.
Comment: Has not been previously published as pathogenic or benign to our knowledge; In silico analysis supports that this missense variant does not alter protein structure/function

NM_001198533.2(OXR1):c.959A>G (p.Asn320Ser)

Gene: OXR1 (oxidation resistance 1; plus strand). Cytogenetic location: 8q23.1.
Variant type: single nucleotide variant.
Coding change: c.959A>G on transcript NM_001198533.2 (MANE Select); coding-DNA position 959, A replaced by G.
Protein change: p.Asn320Ser; replaces asparagine 320 with serine.
Molecular consequence: missense variant.
Genome position (GRCh38, 1-based): chr8:106,706,480, A>G. VCF-style: chr8-106706480-A-G. GRCh37 (hg19) VCF-style: chr8-107718708-A-G.
Other names: c.962A>G, p.Asn321Ser (NM_001198532.1); c.959A>G, p.Asn320Ser (NM_018002.3); c.938A>G, p.Asn313Ser (NM_181354.4); short protein forms N313S, N320S, N321S.
Identifiers: ClinVar variation 2506877 (VCV002506877.1), dbSNP rs139851727, ClinGen allele CA4840371.